The following is an entry in ClinVar:

ClinVar aggregate classification (germline): Uncertain significance (1 of 4 stars; one submission).

Submission:

Labcorp Genetics (formerly Invitae), Labcorp
Classification: Uncertain significance. Last evaluated: 2023-11-27. Review status: criteria provided, single submitter. Criteria: Invitae Variant Classification Sherloc (09022015). Collection method: clinical testing. Allele origin: germline.
Comment: This variant, c.1540_1542del, results in the deletion of 1 amino acid(s) of the KCNQ4 protein (p.Glu514del), but otherwise preserves the integrity of the reading frame. This variant is not present in population databases (gnomAD no frequency). This variant has not been reported in the literature in individuals affected with KCNQ4-related conditions. Experimental studies and prediction algorithms are not available or were not evaluated, and the functional significance of this variant is currently unknown. In summary, the available evidence is currently insufficient to determine the role of this variant in disease. Therefore, it has been classified as a Variant of Uncertain Significance.

NM_004700.4(KCNQ4):c.1537GAG[1] (p.Glu514del)

Gene: KCNQ4 (potassium voltage-gated channel subfamily Q member 4; plus strand). Cytogenetic location: 1p34.2.
Variant type: Microsatellite.
Coding change: c.1537GAG[1] on transcript NM_004700.4 (MANE Select); one copy of the 3-base unit GAG starting at c.1537; the reference has two copies in a row; one copy, 3 bases deleted.
Protein change: p.Glu514del; deletes glutamic acid 514.
Molecular consequence: inframe deletion.
Genome position (GRCh38, 1-based): chr1:40,833,040-40,833,042, GAG deleted; deleting any 3 consecutive bases within chr1:40,833,037-40,833,042 gives the same sequence; the position shown is the placement nearest the transcript's 3' end. VCF-style (leftmost placement, unchanged base first): chr1-40833036-AGAG-A. GRCh37 (hg19) VCF-style: chr1-41298708-AGAG-A.
Other names: c.1375GAG[1], p.Glu460del (NM_172163.3); short protein forms E460del, E514del.
Identifiers: ClinVar variation 2005852 (VCV002005852.4), dbSNP rs2523937922, ClinGen allele CA645530273.